The following is an entry in ClinVar:

NM_003482.4(KMT2D):c.10087G>A (p.Gly3363Arg)

Gene: KMT2D (lysine methyltransferase 2D; minus strand). Cytogenetic location: 12q13.12.
Variant type: single nucleotide variant.
Coding change: c.10087G>A on transcript NM_003482.4 (MANE Select); coding-DNA position 10087, G replaced by A.
Protein change: p.Gly3363Arg; replaces glycine 3363 with arginine.
Molecular consequence: missense variant.
Genome position (GRCh38, 1-based): chr12:49,037,269, C>T on the plus strand (G>A on the coding strand, the complement: KMT2D is on the minus strand). VCF-style: chr12-49037269-C-T. GRCh37 (hg19) VCF-style: chr12-49431052-C-T.
Other names: short protein forms G3363R.
Identifiers: ClinVar variation 4801216 (VCV004801216.1).

ClinVar aggregate classification (germline): Uncertain significance (1 of 4 stars; one submission).

Conditions:
Kabuki syndrome. Also called: NIIKAWA-KUROKI SYNDROME; Kabuki make-up syndrome. Identifiers: Orphanet 2322, MedGen C0796004, MONDO:0016512.

Submission:

Labcorp Genetics (formerly Invitae), Labcorp
Classification: Uncertain significance for Kabuki syndrome. Last evaluated: 2025-11-05. Review status: criteria provided, single submitter. Criteria: Invitae Variant Classification Sherloc (09022015). Collection method: clinical testing. Allele origin: germline.
Comment: This sequence change replaces glycine, which is neutral and non-polar, with arginine, which is basic and polar, at codon 3363 of the KMT2D protein (p.Gly3363Arg). This variant is not present in population databases (gnomAD no frequency). This variant has not been reported in the literature in individuals affected with KMT2D-related conditions. Invitae Evidence Modeling of protein sequence and biophysical properties (such as structural, functional, and spatial information, amino acid conservation, physicochemical variation, residue mobility, and thermodynamic stability) indicates that this missense variant is not expected to disrupt KMT2D protein function with a negative predictive value of 95%. In summary, the available evidence is currently insufficient to determine the role of this variant in disease. Therefore, it has been classified as a Variant of Uncertain Significance.